The following is an entry in ClinVar:

ClinVar aggregate classification (germline): Uncertain significance. Review status: criteria provided, multiple submitters, no conflicts (2 of 4 stars). 3 submissions from 3 submitters: Uncertain significance (3). Last evaluated 2025-07-21.

Conditions:
3-methylglutaconic aciduria, type VIIB (MGCA7B). Also called: CLPB Deficiency; 3-methylglutaconic aciduria, type VII, with cataracts, neurologic involvement and neutropenia; 3-methylglutaconic aciduria with cataracts, neurologic involvement and neutropenia. Identifiers: Orphanet 445038, MedGen C5676893, MONDO:0014561, OMIM 616271.
Inborn genetic diseases. Identifiers: MedGen C0950123, MeSH D030342.

gnomAD v4.1: 10 of 1,614,144 alleles (0.00062%); highest among the groups gnomAD compares: Middle Eastern, 0.033%; 1 homozygote.

Submissions (3):

Labcorp Genetics (formerly Invitae), Labcorp
Classification: Uncertain significance for 3-methylglutaconic aciduria, type VIIB. Last evaluated: 2025-07-21. Review status: criteria provided, single submitter. Criteria: Invitae Variant Classification Sherloc (09022015). Collection method: clinical testing. Allele origin: germline.
Comment: This sequence change replaces serine, which is neutral and polar, with glycine, which is neutral and non-polar, at codon 663 of the CLPB protein (p.Ser663Gly). This variant is present in population databases (rs759268004, gnomAD 0.0009%). This variant has not been reported in the literature in individuals affected with CLPB-related conditions. ClinVar contains an entry for this variant (Variation ID: 3493857). An algorithm developed to predict the effect of missense changes on protein structure and function outputs the following: PolyPhen-2: "Benign". The glycine amino acid residue is found in multiple mammalian species, which suggests that this missense change does not adversely affect protein function. In summary, the available evidence is currently insufficient to determine the role of this variant in disease. Therefore, it has been classified as a Variant of Uncertain Significance.

Ambry Genetics
Classification: Uncertain significance for Inborn genetic diseases. Last evaluated: 2024-11-13. Review status: criteria provided, single submitter. Criteria: Ambry Variant Classification Scheme 2023. Collection method: clinical testing. Allele origin: germline.

Blueprint Genetics
Classification: Uncertain significance. Last evaluated: 2021-08-15. Review status: criteria provided, single submitter. Criteria: ACMG Guidelines, 2015. Collection method: clinical testing. Allele origin: germline.

NM_001258392.3(CLPB):c.1897A>G (p.Ser633Gly)

Gene: CLPB (ClpB family mitochondrial disaggregase; minus strand). Cytogenetic location: 11q13.4.
Variant type: single nucleotide variant.
Coding change: c.1897A>G on transcript NM_001258392.3 (MANE Select); coding-DNA position 1897, A replaced by G.
Protein change: p.Ser633Gly; replaces serine 633 with glycine.
Molecular consequence: missense variant.
Genome position (GRCh38, 1-based): chr11:72,293,504, T>C on the plus strand (A>G on the coding strand, the complement: CLPB is on the minus strand). VCF-style: chr11-72293504-T-C. GRCh37 (hg19) VCF-style: chr11-72004548-T-C.
Other names: c.1810A>G, p.Ser604Gly (NM_001258393.3); c.1852A>G, p.Ser618Gly (NM_001258394.3); c.1987A>G, p.Ser663Gly (NM_030813.6); short protein forms S618G, S633G, S663G, S604G.
Identifiers: ClinVar variation 3493857 (VCV003493857.4).